The following is an entry in ClinVar:

ClinVar aggregate classification (germline): Likely benign. Review status: criteria provided, multiple submitters, no conflicts (2 of 4 stars). 8 submissions from 8 submitters: Likely benign (5). 3 of the submissions do not count toward it. Last evaluated 2026-01-25.

Conditions:
Cardiovascular phenotype. Identifiers: MedGen CN230736.
TTN-related disorder. Also called: TTN-related condition; TTN-related disease; TTN-related disorders.
Autosomal recessive limb-girdle muscular dystrophy type 2J (LGMDR10). Also called: Limb-girdle muscular dystrophy, type 2J; MUSCULAR DYSTROPHY, LIMB-GIRDLE, AUTOSOMAL RECESSIVE 10. Identifiers: Orphanet 140922, MedGen C1837342, MONDO:0012127, OMIM 608807.
Dilated cardiomyopathy 1G (CMD1G). Identifiers: Orphanet 154, MedGen C1858763, MONDO:0011400, OMIM 604145.

Allele frequency attached by ClinVar (database versions not stated): gnomAD exomes 0.00001; ExAC 0.00002; TOPMed 0.00015; ESP Exome Variant Server 0.00016; gnomAD 0.00017 and 0.00021.
gnomAD v4.1: 40 of 1,613,786 alleles (0.0025%); highest among the groups gnomAD compares: African/African-American, 0.047%; no homozygotes.

Submissions (8):

Labcorp Genetics (formerly Invitae), Labcorp
Classification: Likely benign for Dilated cardiomyopathy 1G; Autosomal recessive limb-girdle muscular dystrophy type 2J. Last evaluated: 2026-01-25. Review status: criteria provided, single submitter. Criteria: Invitae Variant Classification Sherloc (09022015). Collection method: clinical testing. Allele origin: germline.

Blueprint Genetics
Classification: Likely benign. Last evaluated: 2022-07-08. Review status: criteria provided, single submitter. Criteria: ACMG Guidelines, 2015. Collection method: clinical testing. Allele origin: germline.

GeneDx
Classification: Likely benign. Last evaluated: 2020-03-18. Review status: criteria provided, single submitter. Criteria: GeneDx Variant Classification Process June 2021. Collection method: clinical testing. Allele origin: germline. Affected: yes.

Ambry Genetics
Classification: Likely benign for Cardiovascular phenotype. Last evaluated: 2019-09-06. Review status: criteria provided, single submitter. Criteria: Ambry Variant Classification Scheme 2023. Collection method: clinical testing. Allele origin: germline.

Laboratory for Molecular Medicine, Mass General Brigham Personalized Medicine
Classification: Likely benign. Last evaluated: 2012-03-19. Review status: criteria provided, single submitter. Criteria: LMM Criteria. Collection method: clinical testing. Allele origin: germline. Observed: 1 variant allele.
Comment: Asp31117Asp in exon 307 of TTN: This variant is not expected to have clinical si gnificance because it does not alter an amino acid residue and is not located wi thin the splice consensus sequence. It has been identified in 0.1% (3/3378) of A frican American chromosomes from a broad population by the NHLBI Exome Sequencin g Project.

PreventionGenetics, part of Exact Sciences
Classification: Likely benign for TTN-related condition. Last evaluated: 2019-08-06. Review status: no assertion criteria provided. Collection method: clinical testing. Allele origin: germline. Not counted in ClinVar's aggregate classification.
Comment: This variant is classified as likely benign based on ACMG/AMP sequence variant interpretation guidelines (Richards et al. 2015 PMID: 25741868, with internal and published modifications).

Clinical Genetics DNA and cytogenetics Diagnostics Lab, Erasmus MC, Erasmus Medical Center
Classification: Likely benign. Review status: no assertion criteria provided. Collection method: clinical testing. Allele origin: germline. Affected: yes. Study: VKGL Data-share Consensus. Not counted in ClinVar's aggregate classification.

Genome Diagnostics Laboratory, University Medical Center Utrecht
Classification: Likely benign. Review status: no assertion criteria provided. Collection method: clinical testing. Allele origin: germline. Affected: yes. Study: VKGL Data-share Consensus. Not counted in ClinVar's aggregate classification.

NM_001267550.2(TTN):c.101055T>C (p.Asp33685=)

Genes: TTN (titin; minus strand), TTN-AS1 (TTN antisense RNA 1; plus strand). Cytogenetic location: 2q31.2.
Variant type: single nucleotide variant.
Coding change: c.101055T>C on transcript NM_001267550.2 (MANE Select); coding-DNA position 101055, T replaced by C.
Protein change: p.Asp33685=; no amino-acid change (aspartic acid 33685 retained).
Molecular consequence: synonymous variant.
Genome position (GRCh38, 1-based): chr2:178,535,560, A>G on the plus strand (T>C on the coding strand, the complement: TTN is on the minus strand). VCF-style: chr2-178535560-A-G. GRCh37 (hg19) VCF-style: chr2-179400287-A-G.
Other names: c.96132T>C, p.Asp32044= (NM_001256850.1); c.93351T>C, p.Asp31117= (NM_133378.4); c.73860T>C, p.Asp24620= (NM_003319.4); c.74235T>C, p.Asp24745= (NM_133432.3); c.74436T>C, p.Asp24812= (NM_133437.4).
Identifiers: ClinVar variation 165660 (VCV000165660.23), dbSNP rs372788551, ClinGen allele CA178378.